The following is an entry in ClinVar:

ClinVar aggregate classification (germline): Uncertain significance (1 of 4 stars; one submission).

gnomAD v4.1: 7 of 1,592,710 alleles (0.00044%); highest among the groups gnomAD compares: Non-Finnish European, 0.0006%; no homozygotes.

Submission:

GeneDx
Classification: Uncertain significance. Last evaluated: 2024-02-28. Review status: criteria provided, single submitter. Criteria: GeneDx Variant Classification Process June 2021. Collection method: clinical testing. Allele origin: germline. Affected: yes.
Comment: Not observed at significant frequency in large population cohorts (gnomAD); In silico analysis supports that this missense variant does not alter protein structure/function; Has not been previously published as pathogenic or benign to our knowledge

NM_001393504.1(MAST3):c.3065A>G (p.Gln1022Arg)

Gene: MAST3 (microtubule associated serine/threonine kinase 3; plus strand). Cytogenetic location: 19p13.11.
Variant type: single nucleotide variant.
Coding change: c.3065A>G on transcript NM_001393504.1 (MANE Select); coding-DNA position 3065, A replaced by G.
Protein change: p.Gln1022Arg; replaces glutamine 1022 with arginine.
Molecular consequence: missense variant.
Genome position (GRCh38, 1-based): chr19:18,145,768, A>G. VCF-style: chr19-18145768-A-G. GRCh37 (hg19) VCF-style: chr19-18256578-A-G.
Other names: c.3089A>G, p.Gln1030Arg (NM_001393501.1); c.3068A>G, p.Gln1023Arg (NM_001393502.1); c.3065A>G, p.Gln1022Arg (NM_001393503.1); c.3062A>G, p.Gln1021Arg (NM_001393505.1); c.3017A>G, p.Gln1006Arg (NM_001393506.1, NM_001393513.1); c.3044A>G, p.Gln1015Arg (NM_001393507.1); c.2999A>G, p.Gln1000Arg (NM_001393508.1, NM_001393516.1); c.2996A>G, p.Gln999Arg (NM_001393509.1, NM_001393510.1, NM_001393512.1 and 2 more transcripts); and 4 more; short protein forms Q1000R, Q1006R, Q1015R, Q1021R, Q1022R, Q1023R, Q1030R, Q984R.
Identifiers: ClinVar variation 3369730 (VCV003369730.1).
Genomic context (GRCh38, chr19:18,145,768, plus strand): 5'-AGGCCATTGACCCCACCGTTCTCGTCTGCCCCCAGAGTGTGGAGGACGGAAGCCCCGCCC[A>G]GGAGGCGGGCCTGCGGGCTGGGGACCTCATCACCCACATCAACGGGGAGTCAGTGCTGGG-3'
Protein context (NP_001380433.1, residues 1012-1032): VWSVEDGSPA[Gln1022Arg]EAGLRAGDLI